The following is an entry in ClinVar:

NM_001330260.2(SCN8A):c.3983T>A (p.Met1328Lys)

Gene: SCN8A (sodium voltage-gated channel alpha subunit 8; plus strand). Cytogenetic location: 12q13.13.
Variant type: single nucleotide variant.
Coding change: c.3983T>A on transcript NM_001330260.2 (MANE Select); coding-DNA position 3983, T replaced by A.
Protein change: p.Met1328Lys; replaces methionine 1328 with lysine.
Molecular consequence: missense variant.
Genome position (GRCh38, 1-based): chr12:51,786,582, T>A. VCF-style: chr12-51786582-T-A. GRCh37 (hg19) VCF-style: chr12-52180366-T-A.
Other names: c.3860T>A, p.Met1287Lys (NM_001177984.3, NM_001369788.1); c.3983T>A, p.Met1328Lys (NM_014191.4); short protein forms M1287K, M1328K.
Identifiers: ClinVar variation 3635200 (VCV003635200.2).

ClinVar aggregate classification (germline): Uncertain significance (1 of 4 stars; one submission).

Conditions:
Early-infantile DEE. Also called: Early infantile epileptic encephalopathy; Ohtahara syndrome; Early infantile epileptic encephalopathy with suppression bursts. Identifiers: Orphanet 1934, MedGen C0393706, MONDO:0800491.

Submission:

Labcorp Genetics (formerly Invitae), Labcorp
Classification: Uncertain significance for Early-infantile DEE. Last evaluated: 2024-10-04. Review status: criteria provided, single submitter. Criteria: Invitae Variant Classification Sherloc (09022015). Collection method: clinical testing. Allele origin: germline.
Comment: This sequence change replaces methionine, which is neutral and non-polar, with lysine, which is basic and polar, at codon 1328 of the SCN8A protein (p.Met1328Lys). This variant is not present in population databases (gnomAD no frequency). This variant has not been reported in the literature in individuals affected with SCN8A-related conditions. Invitae Evidence Modeling of protein sequence and biophysical properties (such as structural, functional, and spatial information, amino acid conservation, physicochemical variation, residue mobility, and thermodynamic stability) indicates that this missense variant is expected to disrupt SCN8A protein function with a positive predictive value of 95%. In summary, the available evidence is currently insufficient to determine the role of this variant in disease. Therefore, it has been classified as a Variant of Uncertain Significance.